The following is an entry in ClinVar:

ClinVar aggregate classification (germline): Uncertain significance (1 of 4 stars; one submission).

Conditions:
F8-related disorder. Also called: F8-related condition.

Allele frequency attached by ClinVar (database versions not stated): TOPMed below 0.00001; gnomAD 0.00001.
gnomAD v4.1: 1 of 1,205,148 alleles (0.000083%); highest among the groups gnomAD compares: Admixed American, 0.0022%; no homozygotes.

Submission:

PreventionGenetics, part of Exact Sciences
Classification: Uncertain significance for F8-related condition. Last evaluated: 2022-09-06. Review status: criteria provided, single submitter. Criteria: ACMG Guidelines, 2015. Collection method: clinical testing. Allele origin: germline.
Comment: The F8 c.157G>C variant is predicted to result in the amino acid substitution p.Val53Leu. To our knowledge, this variant has not been reported in the literature or in a large population database, indicating this variant is rare. At this time, the clinical significance of this variant is uncertain due to the absence of conclusive functional and genetic evidence.

NM_000132.4(F8):c.157G>C (p.Val53Leu)

Gene: F8 (coagulation factor VIII; minus strand). Cytogenetic location: Xq28.
Variant type: single nucleotide variant.
Coding change: c.157G>C on transcript NM_000132.4 (MANE Select); coding-DNA position 157, G replaced by C.
Protein change: p.Val53Leu; replaces valine 53 with leucine.
Molecular consequence: missense variant.
Genome position (GRCh38, 1-based): chrX:154,999,587, C>G on the plus strand (G>C on the coding strand, the complement: F8 is on the minus strand). VCF-style: chrX-154999587-C-G. GRCh37 (hg19) VCF-style: chrX-154227862-C-G.
Other names: short protein forms V53L.
Identifiers: ClinVar variation 2629294 (VCV002629294.1), dbSNP rs1476526439, ClinGen allele CA414920384.